The following is an entry in ClinVar:

NM_002109.6(HARS1):c.869C>G (p.Ser290Cys)

Gene: HARS1 (histidyl-tRNA synthetase 1; minus strand). Cytogenetic location: 5q31.3.
Variant type: single nucleotide variant.
Coding change: c.869C>G on transcript NM_002109.6 (MANE Select); coding-DNA position 869, C replaced by G.
Protein change: p.Ser290Cys; replaces serine 290 with cysteine.
Molecular consequence: missense variant.
Genome position (GRCh38, 1-based): chr5:140,677,071, G>C on the plus strand (C>G on the coding strand, the complement: HARS1 is on the minus strand). VCF-style: chr5-140677071-G-C. GRCh37 (hg19) VCF-style: chr5-140056656-G-C.
Other names: c.749C>G, p.Ser250Cys (NM_001258040.3); c.809C>G, p.Ser270Cys (NM_001258041.3); c.689C>G, p.Ser230Cys (NM_001258042.3); c.647C>G, p.Ser216Cys (NM_001289092.2); c.527C>G, p.Ser176Cys (NM_001289093.2); c.782C>G, p.Ser261Cys (NM_001289094.2); short protein forms S230C, S250C, S216C, S290C, S176C, S261C, S270C.
Identifiers: ClinVar variation 2088298 (VCV002088298.4), dbSNP rs2481249694, ClinGen allele CA361253131.

ClinVar aggregate classification (germline): Uncertain significance (1 of 4 stars; one submission).

Conditions:
Usher syndrome type 3B. Also called: USHER SYNDROME, TYPE IIIB. Identifiers: MedGen C3281066, MONDO:0013788, OMIM 614504.

Allele frequency attached by ClinVar (database versions not stated): gnomAD exomes 0.00001.
gnomAD v4.1: 3 of 1,614,114 alleles (0.00019%); highest among the groups gnomAD compares: Non-Finnish European, 0.00025%; no homozygotes.

Submission:

Labcorp Genetics (formerly Invitae), Labcorp
Classification: Uncertain significance for Usher syndrome type 3B. Last evaluated: 2023-12-15. Review status: criteria provided, single submitter. Criteria: Invitae Variant Classification Sherloc (09022015). Collection method: clinical testing. Allele origin: germline.
Comment: This sequence change replaces serine, which is neutral and polar, with cysteine, which is neutral and slightly polar, at codon 290 of the HARS protein (p.Ser290Cys). This variant is not present in population databases (gnomAD no frequency). This variant has not been reported in the literature in individuals affected with HARS-related conditions. ClinVar contains an entry for this variant (Variation ID: 2088298). Advanced modeling of protein sequence and biophysical properties (such as structural, functional, and spatial information, amino acid conservation, physicochemical variation, residue mobility, and thermodynamic stability) performed at Invitae indicates that this missense variant is not expected to disrupt HARS protein function with a negative predictive value of 80%. In summary, the available evidence is currently insufficient to determine the role of this variant in disease. Therefore, it has been classified as a Variant of Uncertain Significance.